The following is an entry in ClinVar:

NM_024675.4(PALB2):c.423G>A (p.Gln141=)

Gene: PALB2 (partner and localizer of BRCA2; minus strand). Cytogenetic location: 16p12.2.
Variant type: single nucleotide variant.
Coding change: c.423G>A on transcript NM_024675.4 (MANE Select); coding-DNA position 423, G replaced by A.
Protein change: p.Gln141=; no amino-acid change (glutamine 141 retained).
Molecular consequence: synonymous variant.
Genome position (GRCh38, 1-based): chr16:23,636,123, C>T on the plus strand (G>A on the coding strand, the complement: PALB2 is on the minus strand). VCF-style: chr16-23636123-C-T. GRCh37 (hg19) VCF-style: chr16-23647444-C-T.
Identifiers: ClinVar variation 186083 (VCV000186083.27), dbSNP rs786202680, ClinGen allele CA193817.

ClinVar aggregate classification (germline): Benign/Likely benign. Review status: criteria provided, multiple submitters, no conflicts (2 of 4 stars). 8 submissions from 8 submitters: Benign (1); Likely benign (5). 2 of the submissions do not count toward it. Last evaluated 2025-12-24.

Conditions:
PALB2-related disorder. Also called: PALB2-related condition; PALB2-related disorders.
Hereditary cancer-predisposing syndrome. Also called: Hereditary neoplastic syndrome; Neoplastic Syndromes, Hereditary; Tumor predisposition; Hereditary Cancer Syndrome. Identifiers: Orphanet 140162, MedGen C0027672, MeSH D009386, MONDO:0015356.
Familial cancer of breast. Also called: BREAST CANCER, FAMILIAL; Hereditary breast cancer; hereditary breast carcinoma. Identifiers: Orphanet 227535, MedGen C0346153, MONDO:0016419, OMIM 114480. Disease mechanism: loss of function.

Allele frequency attached by ClinVar (database versions not stated): gnomAD exomes below 0.00001.
gnomAD v4.1: 3 of 1,613,540 alleles (0.00019%); highest among the groups gnomAD compares: Non-Finnish European, 0.00017%; no homozygotes.

Submissions (8):

Labcorp Genetics (formerly Invitae), Labcorp
Classification: Likely benign for Familial cancer of breast. Last evaluated: 2025-12-24. Review status: criteria provided, single submitter. Criteria: Invitae Variant Classification Sherloc (09022015). Collection method: clinical testing. Allele origin: germline.

Women's Health and Genetics/Laboratory Corporation of America, LabCorp
Classification: Likely benign. Last evaluated: 2024-09-16. Review status: criteria provided, single submitter. Criteria: LabCorp Variant Classification Summary - May 2015. Collection method: clinical testing. Allele origin: germline.

Myriad Genetics, Inc.
Classification: Benign for Familial cancer of breast. Last evaluated: 2023-03-30. Review status: criteria provided, single submitter. Criteria: Myriad Autosomal Dominant, Autosomal Recessive and X-Linked Classification Criteria (2023). Collection method: clinical testing. Allele origin: unknown.
Comment: This variant is considered benign. This variant is a silent/synonymous amino acid change and it is not expected to impact splicing.

Color Diagnostics, LLC DBA Color Health
Classification: Likely benign for Hereditary cancer-predisposing syndrome. Last evaluated: 2018-12-04. Review status: criteria provided, single submitter. Criteria: ACMG Guidelines, 2015. Collection method: clinical testing. Allele origin: germline.

GeneDx
Classification: Likely benign. Last evaluated: 2018-08-29. Review status: criteria provided, single submitter. Criteria: GeneDx Variant Classification Process June 2021. Collection method: clinical testing. Allele origin: germline. Affected: yes.

Ambry Genetics
Classification: Likely benign for Hereditary cancer-predisposing syndrome. Last evaluated: 2014-08-26. Review status: criteria provided, single submitter. Criteria: Ambry Variant Classification Scheme 2023. Collection method: clinical testing. Allele origin: germline.

PreventionGenetics, part of Exact Sciences
Classification: Likely benign for PALB2-related condition. Last evaluated: 2020-09-21. Review status: no assertion criteria provided. Collection method: clinical testing. Allele origin: germline. Not counted in ClinVar's aggregate classification.
Comment: This variant is classified as likely benign based on ACMG/AMP sequence variant interpretation guidelines (Richards et al. 2015 PMID: 25741868, with internal and published modifications).

Counsyl
Classification: Likely benign for Familial cancer of breast. Last evaluated: 2016-10-05. Review status: no assertion criteria provided. Collection method: clinical testing. Allele origin: unknown. Not counted in ClinVar's aggregate classification.